The following is an entry in ClinVar:

ClinVar aggregate classification (germline): Conflicting classifications of pathogenicity. Review status: criteria provided, conflicting classifications (1 of 4 stars). 3 submissions from 3 submitters: Uncertain significance (1); Likely benign (1). 1 of the submissions does not count toward it. Last evaluated 2025-11-19.

Conditions:
Colorectal cancer. Also called: Colorectal cancer, somatic; Malignant Colorectal Neoplasm. Identifiers: MedGen C0346629, MONDO:0005575, OMIM 114500.
DLC1-related disorder. Also called: DLC1-related condition.

Allele frequency attached by ClinVar (database versions not stated): ExAC 0.00010; gnomAD 0.00017; TOPMed 0.00017; ESP Exome Variant Server 0.00031.
gnomAD v4.1: 547 of 1,613,054 alleles (0.034%); highest among the groups gnomAD compares: Non-Finnish European, 0.045%; 1 homozygote.

Submissions (3):

Labcorp Genetics (formerly Invitae), Labcorp
Classification: Uncertain significance. Last evaluated: 2025-11-19. Review status: criteria provided, single submitter. Criteria: Invitae Variant Classification Sherloc (09022015). Collection method: clinical testing. Allele origin: germline.
Comment: This sequence change falls in intron 17 of the DLC1 gene. It does not directly change the encoded amino acid sequence of the DLC1 protein. It affects a nucleotide within the consensus splice site. This variant is present in population databases (rs199783855, gnomAD 0.02%). This variant has not been reported in the literature in individuals affected with DLC1-related conditions. ClinVar contains an entry for this variant (Variation ID: 2074937). Variants that disrupt the consensus splice site are a relatively common cause of aberrant splicing (PMID: 17576681, 9536098). Algorithms developed to predict the effect of sequence changes on RNA splicing suggest that this variant is not likely to affect RNA splicing. In summary, the available evidence is currently insufficient to determine the role of this variant in disease. Therefore, it has been classified as a Variant of Uncertain Significance.

Fulgent Genetics
Classification: Likely benign for Colorectal cancer. Last evaluated: 2024-05-07. Review status: criteria provided, single submitter. Criteria: ACMG Guidelines, 2015. Collection method: clinical testing. Allele origin: germline.

PreventionGenetics, part of Exact Sciences
Classification: Likely benign for DLC1-related condition. Last evaluated: 2022-02-24. Review status: no assertion criteria provided. Collection method: clinical testing. Allele origin: germline. Not counted in ClinVar's aggregate classification.
Comment: This variant is classified as likely benign based on ACMG/AMP sequence variant interpretation guidelines (Richards et al. 2015 PMID: 25741868, with internal and published modifications).

Literature cited by the submitters: PubMed 17576681 (cited by Labcorp Genetics (formerly Invitae), Labcorp); PubMed 9536098 (cited by Labcorp Genetics (formerly Invitae), Labcorp).

NM_182643.3(DLC1):c.4466+4T>A

Gene: DLC1 (DLC1 Rho GTPase activating protein; minus strand). Cytogenetic location: 8p22.
Variant type: single nucleotide variant.
Coding change: c.4466+4T>A on transcript NM_182643.3 (MANE Select); 4 bases into the intron after coding-DNA position 4466, T replaced by A.
Molecular consequence: intron variant.
Genome position (GRCh38, 1-based): chr8:13,086,286, A>T on the plus strand (T>A on the coding strand, the complement: DLC1 is on the minus strand). VCF-style: chr8-13086286-A-T. GRCh37 (hg19) VCF-style: chr8-12943795-A-T.
Other names: c.2933+4T>A (NM_001348082.2, NM_001348084.2, NM_001164271.2 and 1 more transcripts); c.4466+4T>A (NM_001348081.2, NM_182643.2); c.3257+4T>A (NM_001316668.2); c.3155+4T>A (NM_006094.5).
Identifiers: ClinVar variation 2074937 (VCV002074937.7), dbSNP rs199783855, ClinGen allele CA4637920.